The following is an entry in ClinVar:

ClinVar aggregate classification (germline): Pathogenic/Likely pathogenic. Review status: criteria provided, multiple submitters, no conflicts (2 of 4 stars). 5 submissions from 5 submitters: Pathogenic (4); Likely pathogenic (1). Last evaluated 2025-12-12.

Conditions:
Kabuki syndrome. Also called: Kabuki make-up syndrome; NIIKAWA-KUROKI SYNDROME. Identifiers: Orphanet 2322, MedGen C0796004, MONDO:0016512.
Kabuki syndrome 1 (KABUK1). Also called: KMT2D-Related Kabuki Syndrome. Identifiers: Orphanet 2322, MedGen CN030661, MONDO:0007843, OMIM 147920.

Submissions (5):

GeneDx
Classification: Pathogenic. Last evaluated: 2025-12-12. Review status: criteria provided, single submitter. Criteria: GeneDx Variant Classification Process June 2021. Collection method: clinical testing. Allele origin: germline. Affected: yes.
Comment: Reported in an individual with clinically diagnosed Kabuki syndrome (PMID: 21658225); Published functional studies demonstrate that the variant negatively impacts WDR5 interaction resulting in significantly reduced methyltransferase activity (PMID: 30107592); Not observed at significant frequency in large population cohorts (gnomAD); In silico analysis supports that this missense variant has a deleterious effect on protein structure/function; This variant is associated with the following publications: (PMID: 30459467, 33726816, 27302555, 30107592, 39264387, 40971994, Bonuccelli2023[casereport], 35904121, 38282012, 21658225)

Labcorp Genetics (formerly Invitae), Labcorp
Classification: Pathogenic for Kabuki syndrome. Last evaluated: 2025-11-18. Review status: criteria provided, single submitter. Criteria: Invitae Variant Classification Sherloc (09022015). Collection method: clinical testing. Allele origin: germline.
Comment: This sequence change replaces arginine, which is basic and polar, with glutamine, which is neutral and polar, at codon 5340 of the KMT2D protein (p.Arg5340Gln). This variant is not present in population databases (gnomAD no frequency). This missense change has been observed in individual(s) with Kabuki syndrome (PMID: 21658225, 35904121). In at least one individual the variant was observed to be de novo. ClinVar contains an entry for this variant (Variation ID: 562047). Invitae Evidence Modeling of protein sequence and biophysical properties (such as structural, functional, and spatial information, amino acid conservation, physicochemical variation, residue mobility, and thermodynamic stability) has been performed for this missense variant. However, the output from this modeling did not meet the statistical confidence thresholds required to predict the impact of this variant on KMT2D protein function. Experimental studies have shown that this missense change affects KMT2D function (PMID: 30107592). For these reasons, this variant has been classified as Pathogenic.

3billion
Classification: Pathogenic for Kabuki syndrome 1. Last evaluated: 2024-08-28. Review status: criteria provided, single submitter. Criteria: ACMG Guidelines, 2015. Collection method: clinical testing. Allele origin: germline. Affected: yes.
Comment: The variant is not observed in the gnomAD v4.0.0 dataset. Predicted Consequence/Location: Missense variant In silico tool predictions suggest damaging effect of the variant on gene or gene product [REVEL: 0.89 (>=0.6, sensitivity 0.68 and specificity 0.92); 3Cnet: 0.74 (>=0.6, sensitivity 0.72 and precision 0.9)]. The same nucleotide change resulting in the same amino acid change has been previously reported as pathogenic/likely pathogenic with strong evidence (ClinVar ID: VCV000562047 /PMID: 21658225).The variant has been previously reported as assumed (i.e. paternity and maternity not confirmed) de novo in at least one similarly affected unrelated individual (PMID: 27302555, 30107592).A different missense change at the same codon (p.Arg5340Leu) has been reported to be associated with KMT2D related disorder (PMID: 20711175). Therefore, this variant is classified as Pathogenic according to the recommendation of ACMG/AMP guideline.

Institute of Human Genetics, Heidelberg University
Classification: Pathogenic for Kabuki syndrome 1. Last evaluated: 2024-04-08. Review status: criteria provided, single submitter. Criteria: ACMG Guidelines, 2015. Collection method: clinical testing. Allele origin: de novo. Affected: yes.

Centre de Biologie Pathologie Génétique, Centre Hospitalier Universitaire de Lille
Classification: Likely pathogenic for Kabuki syndrome 1. Last evaluated: 2017-01-01. Review status: criteria provided, single submitter. Criteria: ACMG Guidelines, 2015. Collection method: clinical testing. Allele origin: de novo. Affected: yes.

Literature cited by the submitters: PubMed 21658225 (cited by Labcorp Genetics (formerly Invitae), Labcorp and 3billion); PubMed 35904121 (cited by Labcorp Genetics (formerly Invitae), Labcorp); PubMed 30107592 (cited by Labcorp Genetics (formerly Invitae), Labcorp and 3billion); PubMed 20711175 (cited by 3billion); PubMed 27302555 (cited by 3billion).

NM_003482.4(KMT2D):c.16019G>A (p.Arg5340Gln)

Gene: KMT2D (lysine methyltransferase 2D; minus strand). Cytogenetic location: 12q13.12.
Variant type: single nucleotide variant.
Coding change: c.16019G>A on transcript NM_003482.4 (MANE Select); coding-DNA position 16019, G replaced by A.
Protein change: p.Arg5340Gln; replaces arginine 5340 with glutamine.
Molecular consequence: missense variant.
Genome position (GRCh38, 1-based): chr12:49,024,611, C>T on the plus strand (G>A on the coding strand, the complement: KMT2D is on the minus strand). VCF-style: chr12-49024611-C-T. GRCh37 (hg19) VCF-style: chr12-49418394-C-T.
Other names: short protein forms R5340Q.
Identifiers: ClinVar variation 562047 (VCV000562047.14), dbSNP rs1565756106, ClinGen allele CA384681291.